The following is an entry in ClinVar:

NM_176795.5(HRAS):c.490_499dup (p.Pro167fs)

Genes: HRAS (HRas proto-oncogene, GTPase; minus strand), LRRC56 (leucine rich repeat containing 56; plus strand). Cytogenetic location: 11p15.5.
Variant type: Duplication.
Coding change: c.490_499dup on transcript NM_176795.5 (MANE Plus Clinical); coding-DNA positions 490 to 499, 10 bases duplicated (TGGGACCCCC; older notation c.490_499dupTGGGACCCCC).
Protein change: p.Pro167fs; shifts the reading frame from proline 167.
Molecular consequence: frameshift variant. On other transcripts: intron variant (4).
Genome position (GRCh38, 1-based): chr11:533,310-533,319, GGGGGTCCCA duplicated on the plus strand (TGGGACCCCC on the coding strand, the reverse complement: HRAS is on the minus strand); duplicating any 10 consecutive bases within chr11:533,310-533,320 gives the same sequence; the c. name uses the placement nearest the transcript's 3' end. VCF-style (leftmost placement, unchanged base first): chr11-533309-G-GGGGGGTCCCA. GRCh37 (hg19) VCF-style: chr11-533309-G-GGGGGGTCCCA.
Other names: c.171_180dup, p.Arg61fs (NM_001318054.2); c.-162+4974_-162+4983dup (NM_001441284.1, NM_001441286.1); c.450+134_450+143dup (NM_005343.4, NM_001130442.3); short protein forms P167fs, R61fs.
Identifiers: ClinVar variation 4086451 (VCV004086451.1).
Genomic context (GRCh38, chr11:533,309, plus strand): 5'-CACTGCCCTGCCGTCCCGGGAGACTTACAGCGCGAGGGGCCGCTGGGTCACATGGGTCCC[G>GGGGGGTCCCA]GGGGGTCCCAGAGGGTCCCGGAGCTGGAGCTAGAGCCAGAGCGGCTGCCCTGTGTCAAGG-3'

ClinVar aggregate classification (germline): Uncertain significance (1 of 4 stars; one submission).

Submission:

GeneDx
Classification: Uncertain significance. Last evaluated: 2025-03-19. Review status: criteria provided, single submitter. Criteria: GeneDx Variant Classification Process June 2021. Collection method: clinical testing. Allele origin: germline. Affected: yes.
Comment: Frameshift variant predicted to result in abnormal protein length as the last 4 amino acids are replaced with 35 different amino acids; Has not been previously published as pathogenic or benign to our knowledge